The following is an entry in ClinVar:

NM_176787.5(PIGN):c.2636T>C (p.Val879Ala)

Gene: PIGN (phosphatidylinositol glycan anchor biosynthesis class N; minus strand). Cytogenetic location: 18q21.33.
Variant type: single nucleotide variant.
Coding change: c.2636T>C on transcript NM_176787.5 (MANE Select); coding-DNA position 2636, T replaced by C.
Protein change: p.Val879Ala; replaces valine 879 with alanine.
Molecular consequence: missense variant.
Genome position (GRCh38, 1-based): chr18:62,072,709, A>G on the plus strand (T>C on the coding strand, the complement: PIGN is on the minus strand). VCF-style: chr18-62072709-A-G. GRCh37 (hg19) VCF-style: chr18-59739942-A-G.
Other names: c.2636T>C, p.Val879Ala (NM_012327.6); short protein forms V879A.
Identifiers: ClinVar variation 1715848 (VCV001715848.5), dbSNP rs2512184734, ClinGen allele CA402723492.

ClinVar aggregate classification (germline): Uncertain significance (1 of 4 stars; one submission).

Conditions:
Multiple congenital anomalies-hypotonia-seizures syndrome 1 (MCAHS1). Also called: Congenital disorder of glycosylation due to PIGN deficiency; GLYCOSYLPHOSPHATIDYLINOSITOL BIOSYNTHESIS DEFECT 3; PIGN-CDG. Identifiers: Orphanet 280633, MedGen C3279775, MONDO:0013563, OMIM 614080.

Submission:

Labcorp Genetics (formerly Invitae), Labcorp
Classification: Uncertain significance for Multiple congenital anomalies-hypotonia-seizures syndrome 1. Last evaluated: 2022-09-19. Review status: criteria provided, single submitter. Criteria: Invitae Variant Classification Sherloc (09022015). Collection method: clinical testing. Allele origin: germline.
Comment: In summary, the available evidence is currently insufficient to determine the role of this variant in disease. Therefore, it has been classified as a Variant of Uncertain Significance. Advanced modeling of protein sequence and biophysical properties (such as structural, functional, and spatial information, amino acid conservation, physicochemical variation, residue mobility, and thermodynamic stability) performed at Invitae indicates that this missense variant is expected to disrupt PIGN protein function. This variant has not been reported in the literature in individuals affected with PIGN-related conditions. This variant is not present in population databases (gnomAD no frequency). This sequence change replaces valine, which is neutral and non-polar, with alanine, which is neutral and non-polar, at codon 879 of the PIGN protein (p.Val879Ala).